The following is an entry in ClinVar:

NM_022114.4(PRDM16):c.93C>G (p.Ser31Arg)

Gene: PRDM16 (PR/SET domain 16; plus strand). Cytogenetic location: 1p36.32.
Variant type: single nucleotide variant.
Coding change: c.93C>G on transcript NM_022114.4 (MANE Select); coding-DNA position 93, C replaced by G.
Protein change: p.Ser31Arg; replaces serine 31 with arginine.
Molecular consequence: missense variant.
Genome position (GRCh38, 1-based): chr1:3,186,180, C>G. VCF-style: chr1-3186180-C-G. GRCh37 (hg19) VCF-style: chr1-3102744-C-G.
Other names: c.93C>G, p.Ser31Arg (NM_199454.3); short protein forms S31R.
Identifiers: ClinVar variation 961865 (VCV000961865.7), dbSNP rs750535149, ClinGen allele CA543695.
Genomic context (GRCh38, chr1:3,186,180, plus strand): 5'-TTTAGGTGACGGTGACGTTGTAAATAATATGTATGAGCCCAACCGGGACCTGCTGGCCAG[C>G]CACAGCGCGGAGGACGAGGCCGAGGACAGTGCCATGTCGCCCATCCCCGTGGGGCCACCG-3'
Protein context (NP_071397.3, residues 21-41): MYEPNRDLLA[Ser31Arg]HSAEDEAEDS

ClinVar aggregate classification (germline): Uncertain significance (1 of 4 stars; one submission).

Conditions:
Left ventricular noncompaction 8 (LVNC8). Identifiers: Orphanet 154, Orphanet 54260, MedGen C3809288, MONDO:0014152, OMIM 615373.

Allele frequency attached by ClinVar (database versions not stated): gnomAD exomes below 0.00001; ExAC 0.00001.
gnomAD v4.1: 1 of 1,612,872 alleles (0.000062%); highest among the groups gnomAD compares: Admixed American, 0.0017%; no homozygotes.

Submission:

Labcorp Genetics (formerly Invitae), Labcorp
Classification: Uncertain significance for Left ventricular noncompaction 8. Last evaluated: 2022-11-15. Review status: criteria provided, single submitter. Criteria: Invitae Variant Classification Sherloc (09022015). Collection method: clinical testing. Allele origin: germline.
Comment: ClinVar contains an entry for this variant (Variation ID: 961865). This sequence change replaces serine, which is neutral and polar, with arginine, which is basic and polar, at codon 31 of the PRDM16 protein (p.Ser31Arg). This variant is present in population databases (rs750535149, gnomAD 0.003%). This variant has not been reported in the literature in individuals affected with PRDM16-related conditions. Algorithms developed to predict the effect of missense changes on protein structure and function are either unavailable or do not agree on the potential impact of this missense change (SIFT: "Deleterious"; PolyPhen-2: "Benign"; Align-GVGD: "Class C0"). In summary, the available evidence is currently insufficient to determine the role of this variant in disease. Therefore, it has been classified as a Variant of Uncertain Significance.